The following is an entry in ClinVar:

NC_000002.12:g.(?_32063822)_(32154506_?)del

Gene: SPAST (spastin; plus strand). Cytogenetic location: 2p22.3.
Variant type: Deletion.
Identifiers: ClinVar variation 833363 (VCV000833363.1).

ClinVar aggregate classification (germline): Pathogenic (1 of 4 stars; one submission).

Conditions:
Hereditary spastic paraplegia 4. Also called: Spastic paraplegia 4, autosomal dominant; Familial spastic paraplegia autosomal dominant 2; Spastic Paraplegia 4. Identifiers: Orphanet 100985, MedGen C1866855, MONDO:0008438, OMIM 182601.

Submission:

Labcorp Genetics (formerly Invitae), Labcorp
Classification: Pathogenic for Spastic paraplegia 4, autosomal dominant. Last evaluated: 2019-10-03. Review status: criteria provided, single submitter. Criteria: Invitae Variant Classification Sherloc (09022015). Collection method: clinical testing. Allele origin: germline.
Comment: A gross deletion of the genomic region encompassing the full coding sequence of the SPAST gene has been identified. The boundaries of this event are unknown as the deletion extends beyond the assayed region for this gene and therefore may encompass additional genes. Similar copy number variants have been observed in several individuals and families affected with hereditary spastic paraplegia (PMID: 17098887, 25421405). Loss-of-function variants in SPAST are known to be pathogenic (PMID: 20932283). For these reasons, this variant has been classified as Pathogenic.

Literature cited by the submitters: PubMed 25421405; PubMed 17098887.